The following is an entry in ClinVar:

NM_020937.4(FANCM):c.140A>C (p.Glu47Ala)

Gene: FANCM (FA complementation group M; plus strand). Cytogenetic location: 14q21.2.
Variant type: single nucleotide variant.
Coding change: c.140A>C on transcript NM_020937.4 (MANE Select); coding-DNA position 140, A replaced by C.
Protein change: p.Glu47Ala; replaces glutamic acid 47 with alanine.
Molecular consequence: missense variant.
Genome position (GRCh38, 1-based): chr14:45,136,171, A>C. VCF-style: chr14-45136171-A-C. GRCh37 (hg19) VCF-style: chr14-45605374-A-C.
Other names: c.140A>C, p.Glu47Ala (NM_001308133.2, NM_001308134.2); short protein forms E47A.
Identifiers: ClinVar variation 5021485 (VCV005021485.1).

ClinVar aggregate classification (germline): Uncertain significance (1 of 4 stars; one submission).

Conditions:
Inborn genetic diseases. Identifiers: MedGen C0950123, MeSH D030342.

Submission:

Ambry Genetics
Classification: Uncertain significance for Inborn genetic diseases. Last evaluated: 2026-08-09. Review status: criteria provided, single submitter. Criteria: Ambry Variant Classification Scheme 2023. Collection method: clinical testing. Allele origin: germline.
Comment: The p.E47A variant (also known as c.140A>C), located in coding exon 1 of the FANCM gene, results from an A to C substitution at nucleotide position 140. The glutamic acid at codon 47 is replaced by alanine, an amino acid with dissimilar properties. This amino acid position is conserved. In addition, this alteration is predicted to be tolerated by in silico analysis. Based on the available evidence, the clinical significance of this variant remains unclear.